The following is an entry in ClinVar:

ClinVar aggregate classification (germline): Likely benign. Review status: criteria provided, multiple submitters, no conflicts (2 of 4 stars). 4 submissions from 4 submitters: Likely benign (4). Last evaluated 2025-12-15.

Conditions:
Retinal dystrophy. Also called: Inherited retinal dystrophy. Identifiers: Orphanet 71862, MedGen C0854723, MeSH D058499, MONDO:0019118, HP:0000556.
Saldino-Mainzer syndrome (SRTD9). Also called: CONORENAL SYNDROME; short-rib thoracic dysplasia 9 with or without polydactyly; Renal dysplasia, retinal pigmentary dystrophy, cerebellar ataxia and skeletal dysplasia; SHORT-RIB THORACIC DYSPLASIA 9 WITHOUT POLYDACTYLY. Identifiers: Orphanet 140969, MedGen C1849437, MONDO:0009964, OMIM 266920.

gnomAD v4.1: 62 of 1,611,530 alleles (0.0038%); highest among the groups gnomAD compares: Middle Eastern, 0.033%; no homozygotes.

Submissions (4):

Labcorp Genetics (formerly Invitae), Labcorp
Classification: Likely benign for Saldino-Mainzer syndrome. Last evaluated: 2025-12-15. Review status: criteria provided, single submitter. Criteria: Invitae Variant Classification Sherloc (09022015). Collection method: clinical testing. Allele origin: germline.

Blueprint Genetics
Classification: Likely benign. Last evaluated: 2023-11-16. Review status: criteria provided, single submitter. Criteria: ACMG Guidelines, 2015. Collection method: clinical testing. Allele origin: germline.

Dept Of Ophthalmology, Nagoya University
Classification: Likely benign for Retinal dystrophy. Last evaluated: 2023-10-01. Review status: criteria provided, single submitter. Criteria: Submitter's publication. Collection method: research. Allele origin: germline. Affected: yes.

CeGaT Center for Human Genetics Tuebingen
Classification: Likely benign. Last evaluated: 2022-05-01. Review status: criteria provided, single submitter. Criteria: CeGaT Center For Human Genetics Tuebingen Variant Classification Criteria Version 2. Collection method: clinical testing. Allele origin: germline. Affected: yes. Observed: 1 variant allele.
Comment: IFT140: BP4, BP7

NM_014714.4(IFT140):c.3561G>A (p.Ser1187=)

Gene: IFT140 (intraflagellar transport 140; minus strand). Cytogenetic location: 16p13.3.
Variant type: single nucleotide variant.
Coding change: c.3561G>A on transcript NM_014714.4 (MANE Select); coding-DNA position 3561, G replaced by A.
Protein change: p.Ser1187=; no amino-acid change (serine 1187 retained).
Molecular consequence: synonymous variant.
Genome position (GRCh38, 1-based): chr16:1,520,701, C>T on the plus strand (G>A on the coding strand, the complement: IFT140 is on the minus strand). VCF-style: chr16-1520701-C-T. GRCh37 (hg19) VCF-style: chr16-1570702-C-T.
Identifiers: ClinVar variation 1135013 (VCV001135013.33), dbSNP rs769082969, ClinGen allele CA7813117.